The following is an entry in ClinVar:

NM_001267550.2(TTN):c.47211A>C (p.Arg15737Ser)

Genes: TTN (titin; minus strand), TTN-AS1 (TTN antisense RNA 1; plus strand). Cytogenetic location: 2q31.2.
Variant type: single nucleotide variant.
Coding change: c.47211A>C on transcript NM_001267550.2 (MANE Select); coding-DNA position 47211, A replaced by C.
Protein change: p.Arg15737Ser; replaces arginine 15737 with serine.
Molecular consequence: missense variant.
Genome position (GRCh38, 1-based): chr2:178,618,247, T>G on the plus strand (A>C on the coding strand, the complement: TTN is on the minus strand). VCF-style: chr2-178618247-T-G. GRCh37 (hg19) VCF-style: chr2-179482974-T-G.
Other names: c.39507A>C, p.Arg13169Ser (NM_133378.4); c.42288A>C, p.Arg14096Ser (NM_001256850.1); c.20016A>C, p.Arg6672Ser (NM_003319.4); c.20391A>C, p.Arg6797Ser (NM_133432.3); c.20592A>C, p.Arg6864Ser (NM_133437.4); short protein forms R13169S, R15737S, R6797S, R14096S, R6672S, R6864S.
Identifiers: ClinVar variation 166029 (VCV000166029.5), dbSNP rs727503624, ClinGen allele CA178837.

ClinVar aggregate classification (germline): Uncertain significance (1 of 4 stars; one submission).

Submission:

Laboratory for Molecular Medicine, Mass General Brigham Personalized Medicine
Classification: Uncertain significance. Last evaluated: 2014-04-10. Review status: criteria provided, single submitter. Criteria: LMM Criteria. Collection method: clinical testing. Allele origin: germline. Observed: 1 variant allele.
Comment: The Arg13169Ser variant in TTN has not been reported in individuals with cardiom yopathy or in large population studies. Computational prediction tools and conse rvation analysis suggest that this variant may impact the protein, though this i nformation is not predictive enough to determine pathogenicity. Additional infor mation is needed to fully assess the clinical significance of the Arg13169Ser va riant.